The following is an entry in ClinVar:

NM_018060.4(IARS2):c.551-301G>A

Gene: IARS2 (isoleucyl-tRNA synthetase 2, mitochondrial; plus strand). Cytogenetic location: 1q41.
Variant type: single nucleotide variant.
Coding change: c.551-301G>A on transcript NM_018060.4 (MANE Select); 301 bases into the intron before coding-DNA position 551, G replaced by A.
Molecular consequence: intron variant.
Genome position (GRCh38, 1-based): chr1:220,101,828, G>A. VCF-style: chr1-220101828-G-A. GRCh37 (hg19) VCF-style: chr1-220275170-G-A.
Identifiers: ClinVar variation 680666 (VCV000680666.1), dbSNP rs142081039, ClinGen allele CA16079951.

ClinVar aggregate classification (germline): Benign (1 of 4 stars; one submission).

Allele frequency attached by ClinVar (database versions not stated): 1000 Genomes Project 30x 0.03826; 1000 Genomes Project 0.03874; TOPMed 0.04993; gnomAD 0.05347 and 0.05354.
gnomAD v4.1: 8,184 of 152,078 alleles (5.4%); highest among the groups gnomAD compares: Middle Eastern, 9.9%; 312 homozygotes.

Submission:

GeneDx
Classification: Benign. Last evaluated: 2018-06-19. Review status: criteria provided, single submitter. Criteria: GeneDx Variant Classification (06012015). Collection method: clinical testing. Allele origin: germline. Affected: yes.
Comment: This variant is considered likely benign or benign based on one or more of the following criteria: it is a conservative change, it occurs at a poorly conserved position in the protein, it is predicted to be benign by multiple in silico algorithms, and/or has population frequency not consistent with disease.